The following is an entry in ClinVar:

ClinVar aggregate classification (germline): Uncertain significance (1 of 4 stars; one submission).

Conditions:
Leigh syndrome (NULS). Also called: Leigh's necrotizing encephalopathy; Leigh's disease; Leigh Syndrome (mtDNA deletion); LEIGH SYNDROME, NUCLEAR; Leigh's syndrome; Leigh Disease. Identifiers: Orphanet 506, MedGen C2931891, MONDO:0009723, OMIM 256000.

Allele frequency attached by ClinVar (database versions not stated): gnomAD exomes below 0.00001; TOPMed below 0.00001; gnomAD 0.00001.
gnomAD v4.1: 7 of 1,613,680 alleles (0.00043%); highest among the groups gnomAD compares: African/African-American, 0.004%; no homozygotes.

Submission:

Labcorp Genetics (formerly Invitae), Labcorp
Classification: Uncertain significance for Leigh syndrome. Last evaluated: 2022-03-13. Review status: criteria provided, single submitter. Criteria: Invitae Variant Classification Sherloc (09022015). Collection method: clinical testing. Allele origin: germline.
Comment: This sequence change replaces threonine, which is neutral and polar, with proline, which is neutral and non-polar, at codon 138 of the SURF1 protein (p.Thr138Pro). This variant is not present in population databases (gnomAD no frequency). This variant has not been reported in the literature in individuals affected with SURF1-related conditions. ClinVar contains an entry for this variant (Variation ID: 956480). Algorithms developed to predict the effect of missense changes on protein structure and function are either unavailable or do not agree on the potential impact of this missense change (SIFT: "Tolerated"; PolyPhen-2: "Possibly Damaging"; Align-GVGD: "Class C0"). In summary, the available evidence is currently insufficient to determine the role of this variant in disease. Therefore, it has been classified as a Variant of Uncertain Significance.

NM_003172.4(SURF1):c.412A>C (p.Thr138Pro)

Gene: SURF1 (SURF1 cytochrome c oxidase assembly factor; minus strand). Cytogenetic location: 9q34.2.
Variant type: single nucleotide variant.
Coding change: c.412A>C on transcript NM_003172.4 (MANE Select); coding-DNA position 412, A replaced by C.
Protein change: p.Thr138Pro; replaces threonine 138 with proline.
Molecular consequence: missense variant.
Genome position (GRCh38, 1-based): chr9:133,353,852, T>G on the plus strand (A>C on the coding strand, the complement: SURF1 is on the minus strand). VCF-style: chr9-133353852-T-G. GRCh37 (hg19) VCF-style: chr9-136220707-T-G.
Other names: c.85A>C, p.Thr29Pro (NM_001280787.1); short protein forms T29P, T138P.
Identifiers: ClinVar variation 956480 (VCV000956480.7), dbSNP rs1227317118, ClinGen allele CA375694328.
Genomic context (GRCh38, chr9:133,353,852, plus strand): 5'-TCTGAGTTGAGGAGGAGATGAGGCCGCCCTCCCGGGCCTCCCGGACAGGGTCCACCATGG[T>G]CCGGGGCATCATATACAGCTCCTTGGAATGGTCAAAGCACCCCCTGACCTTCACTGGCCT-3'
Protein context (NP_003163.1, residues 128-148): HSKELYMMPR[Thr138Pro]MVDPVREARE